The following is an entry in ClinVar:

ClinVar aggregate classification (germline): Benign/Likely benign. Review status: criteria provided, multiple submitters, no conflicts (2 of 4 stars). 7 submissions from 7 submitters: Benign (2); Likely benign (5). Last evaluated 2025-12-15.

Conditions:
Increased analgesia from kappa-opioid receptor agonist, female-specific. Identifiers: MedGen C2751296, OMIM 613098.
SKIN/HAIR/EYE PIGMENTATION, VARIATION IN, 2 (SHEP2). Also called: BLOND HAIR/FAIR SKIN; HAIR COLOR 2; RED HAIR COLOR. Identifiers: MedGen C1849452, OMIM 266300.
Melanoma, cutaneous malignant, susceptibility to, 5. Also called: Cutaneous malignant melanoma 5. Identifiers: Orphanet 618, MedGen C2751295, MONDO:0013133, OMIM 613099.
Tyrosinase-positive oculocutaneous albinism (OCA2). Also called: Albinism, oculocutaneous, type II; Oculocutaneous albinism type 2; ALBINISM II. Identifiers: Orphanet 79432, MedGen C0268495, MONDO:0008746, OMIM 203200.

Allele frequency attached by ClinVar (database versions not stated): 1000 Genomes Project 0.00379; 1000 Genomes Project 30x 0.00437; gnomAD 0.00443; TOPMed 0.00569; ESP Exome Variant Server 0.00631.

Submissions (7):

Labcorp Genetics (formerly Invitae), Labcorp
Classification: Benign for Melanoma, cutaneous malignant, susceptibility to, 5. Last evaluated: 2025-12-15. Review status: criteria provided, single submitter. Criteria: Invitae Variant Classification Sherloc (09022015). Collection method: clinical testing. Allele origin: germline.

Blueprint Genetics
Classification: Likely benign. Last evaluated: 2024-09-13. Review status: criteria provided, single submitter. Criteria: ACMG Guidelines, 2015. Collection method: clinical testing. Allele origin: germline.

CeGaT Center for Human Genetics Tuebingen
Classification: Benign. Last evaluated: 2023-02-01. Review status: criteria provided, single submitter. Criteria: CeGaT Center For Human Genetics Tuebingen Variant Classification Criteria Version 2. Collection method: clinical testing. Allele origin: germline. Affected: yes. Observed: 1 variant allele.
Comment: MC1R: BP4, BS1, BS2

Fulgent Genetics
Classification: Likely benign for Tyrosinase-positive oculocutaneous albinism; SKIN/HAIR/EYE PIGMENTATION, VARIATION IN, 2; Increased analgesia from kappa-opioid receptor agonist, female-specific; Melanoma, cutaneous malignant, susceptibility to, 5. Last evaluated: 2022-03-27. Review status: criteria provided, single submitter. Criteria: ACMG Guidelines, 2015. Collection method: clinical testing. Allele origin: unknown.

GeneDx
Classification: Likely benign. Last evaluated: 2021-06-11. Review status: criteria provided, single submitter. Criteria: GeneDx Variant Classification Process June 2021. Collection method: clinical testing. Allele origin: germline. Affected: yes.
Comment: This variant is associated with the following publications: (PMID: 32163215, 23647022)

Illumina Laboratory Services, Illumina
Classification: Likely benign for Melanoma, cutaneous malignant, susceptibility to, 5. Last evaluated: 2017-04-28. Review status: criteria provided, single submitter. Criteria: ICSL Variant Classification Criteria 13 December 2019. Collection method: clinical testing. Allele origin: germline.
Comment: This variant was observed as part of a predisposition screen in an ostensibly healthy population. A literature search was performed for the gene, cDNA change, and amino acid change (where applicable). No publications were found based on this search. Allele frequency data from public databases allowed determination this variant is unlikely to cause disease. Therefore, this variant is classified as likely benign.

PreventionGenetics, part of Exact Sciences
Classification: Likely benign. Review status: criteria provided, single submitter. Criteria: ACMG Guidelines, 2015. Collection method: clinical testing. Allele origin: germline.

NM_002386.4(MC1R):c.466G>C (p.Val156Leu)

Gene: MC1R (melanocortin 1 receptor; plus strand). Cytogenetic location: 16q24.3.
Variant type: single nucleotide variant.
Coding change: c.466G>C on transcript NM_002386.4 (MANE Select); coding-DNA position 466, G replaced by C.
Protein change: p.Val156Leu; replaces valine 156 with leucine.
Molecular consequence: missense variant.
Genome position (GRCh38, 1-based): chr16:89,919,724, G>C. VCF-style: chr16-89919724-G-C. GRCh37 (hg19) VCF-style: chr16-89986132-G-C.
Other names: short protein forms V156L.
Identifiers: ClinVar variation 258651 (VCV000258651.42), dbSNP rs3212365, ClinGen allele CA8255601.